The following is an entry in ClinVar:

ClinVar aggregate classification (germline): Conflicting classifications of pathogenicity. Review status: criteria provided, conflicting classifications (1 of 4 stars). 6 submissions from 6 submitters: Uncertain significance (4); Benign (1); Likely benign (1). Last evaluated 2026-01-19.

Conditions:
Hereditary cancer-predisposing syndrome. Also called: Neoplastic Syndromes, Hereditary; Tumor predisposition; Hereditary Cancer Syndrome; Hereditary neoplastic syndrome. Identifiers: Orphanet 140162, MedGen C0027672, MeSH D009386, MONDO:0015356.
Ovarian cancer. Also called: OVARIAN CANCER, SOMATIC. Identifiers: Orphanet 213500, MedGen C1140680, MONDO:0008170, OMIM 167000.
Neuroblastoma, susceptibility to, 3. Also called: ALK-Related Neuroblastic Tumor Susceptibility. Identifiers: Orphanet 635, MedGen C2751681, MONDO:0013083, OMIM 613014.

Allele frequency attached by ClinVar (database versions not stated): gnomAD 0.00001 and 0.00002; TOPMed 0.00002; ExAC 0.00003; gnomAD exomes 0.00004; 1000 Genomes Project 0.00040; 1000 Genomes Project 30x 0.00047.
gnomAD v4.1: 26 of 1,614,172 alleles (0.0016%); highest among the groups gnomAD compares: East Asian, 0.031%; no homozygotes.

Submissions (6):

Labcorp Genetics (formerly Invitae), Labcorp
Classification: Uncertain significance for Neuroblastoma, susceptibility to, 3. Last evaluated: 2026-01-19. Review status: criteria provided, single submitter. Criteria: Invitae Variant Classification Sherloc (09022015). Collection method: clinical testing. Allele origin: germline.
Comment: This sequence change replaces threonine, which is neutral and polar, with isoleucine, which is neutral and non-polar, at codon 1087 of the ALK protein (p.Thr1087Ile). This variant is present in population databases (rs113994090, gnomAD 0.03%). This missense change has been observed in individual(s) with neuroblastoma (PMID: 18923524). ClinVar contains an entry for this variant (Variation ID: 21395). An algorithm developed to predict the effect of missense changes on protein structure and function (PolyPhen-2) suggests that this variant is likely to be disruptive. Experimental studies have shown that this missense change does not substantially affect ALK function (PMID: 23104988). In summary, the available evidence is currently insufficient to determine the role of this variant in disease. Therefore, it has been classified as a Variant of Uncertain Significance.

Ambry Genetics
Classification: Likely benign for Hereditary cancer-predisposing syndrome. Last evaluated: 2024-07-19. Review status: criteria provided, single submitter. Criteria: Ambry Variant Classification Scheme 2023. Collection method: clinical testing. Allele origin: germline.

Baylor Genetics
Classification: Uncertain significance for Neuroblastoma, susceptibility to, 3. Last evaluated: 2023-10-02. Review status: criteria provided, single submitter. Criteria: ACMG Guidelines, 2015. Collection method: clinical testing. Allele origin: unknown.

GeneDx
Classification: Uncertain significance. Last evaluated: 2023-06-21. Review status: criteria provided, single submitter. Criteria: GeneDx Variant Classification Process June 2021. Collection method: clinical testing. Allele origin: germline. Affected: yes.
Comment: In silico analysis supports that this missense variant has a deleterious effect on protein structure/function; Identified in a patient with neuroblastoma and in individuals with breast cancer in published literature (Chen et al., 2008; Shin et al., 2020); Published functional studies demonstrate neurite growth stimulation, cellular proliferation, and foci development similar to wild type (Chand et al., 2013); This variant is associated with the following publications: (PMID: 23201355, 21945349, 32019277, 18923524, 23104988, Qiu2022[article])

Laboratory of Molecular Epidemiology of Birth Defects, West China Second University Hospital, Sichuan University
Classification: Benign for Ovarian cancer. Last evaluated: 2022-01-01. Review status: criteria provided, single submitter. Criteria: ACMG Guidelines, 2015. Collection method: clinical testing. Allele origin: germline. Affected: yes.

CeGaT Center for Human Genetics Tuebingen
Classification: Uncertain significance. Last evaluated: 2018-04-01. Review status: criteria provided, single submitter. Criteria: CeGaT Center For Human Genetics Tuebingen Variant Classification Criteria Version 2. Collection method: clinical testing. Allele origin: germline. Affected: yes. Observed: 1 variant allele.

Literature cited by the submitters: PubMed 18923524 (cited by Labcorp Genetics (formerly Invitae), Labcorp); PubMed 23104988 (cited by Labcorp Genetics (formerly Invitae), Labcorp).

NM_004304.5(ALK):c.3260C>T (p.Thr1087Ile)

Gene: ALK (ALK receptor tyrosine kinase; minus strand). Cytogenetic location: 2p23.2.
Variant type: single nucleotide variant.
Coding change: c.3260C>T on transcript NM_004304.5 (MANE Select); coding-DNA position 3260, C replaced by T.
Protein change: p.Thr1087Ile; replaces threonine 1087 with isoleucine.
Molecular consequence: missense variant.
Genome position (GRCh38, 1-based): chr2:29,223,441, G>A on the plus strand (C>T on the coding strand, the complement: ALK is on the minus strand). VCF-style: chr2-29223441-G-A. GRCh37 (hg19) VCF-style: chr2-29446307-G-A.
Other names: c.56C>T, p.Thr19Ile (NM_001353765.2); short protein forms T1087I, T19I.
Identifiers: ClinVar variation 21395 (VCV000021395.58), dbSNP rs113994090, ClinGen allele CA342013.
Genomic context (GRCh38, chr2:29,223,441, plus strand): 5'-TCACTGATGGAGGAGGTCTTGCCAGCAAAGCAGTAGTTGGGGTTGTAGTCGGTCATGATG[G>A]TCGAGGTGCGGAGCTTGCTCAGCTTGTACTCAGGGCTCTGCAGCTCCATCTGCATGGCTT-3'
Protein context (NP_004295.2, residues 1077-1097): EYKLSKLRTS[Thr1087Ile]IMTDYNPNYC